The following is an entry in ClinVar:

NM_006440.5(TXNRD2):c.1316C>T (p.Ala439Val)

Gene: TXNRD2 (thioredoxin reductase 2; minus strand). Cytogenetic location: 22q11.21.
Variant type: single nucleotide variant.
Coding change: c.1316C>T on transcript NM_006440.5 (MANE Select); coding-DNA position 1316, C replaced by T.
Protein change: p.Ala439Val; replaces alanine 439 with valine.
Molecular consequence: missense variant. On other transcripts: non-coding transcript variant (1).
Genome position (GRCh38, 1-based): chr22:19,878,397, G>A on the plus strand (C>T on the coding strand, the complement: TXNRD2 is on the minus strand). VCF-style: chr22-19878397-G-A. GRCh37 (hg19) VCF-style: chr22-19865920-G-A.
Other names: c.1313C>T, p.Ala438Val (NM_001352300.2); c.1226C>T, p.Ala409Val (NM_001352301.2); c.1028C>T, p.Ala343Val (NM_001352302.2); short protein forms A343V, A409V, A438V, A439V.
Identifiers: ClinVar variation 4615395 (VCV004615395.1).

ClinVar aggregate classification (germline): Uncertain significance (1 of 4 stars; one submission).

Conditions:
Cardiovascular phenotype. Identifiers: MedGen CN230736.

Submission:

Ambry Genetics
Classification: Uncertain significance for Cardiovascular phenotype. Last evaluated: 2025-11-15. Review status: criteria provided, single submitter. Criteria: Ambry Variant Classification Scheme 2023. Collection method: clinical testing. Allele origin: germline.
Comment: The p.A439V variant (also known as c.1316C>T), located in coding exon 15 of the TXNRD2 gene, results from a C to T substitution at nucleotide position 1316. The alanine at codon 439 is replaced by valine, an amino acid with similar properties. This amino acid position is conserved. In addition, the in silico prediction for this alteration is inconclusive. Based on the available evidence, the clinical significance of this variant remains unclear.